The following is an entry in ClinVar:

ClinVar aggregate classification (germline): Uncertain significance. Review status: criteria provided, multiple submitters, no conflicts (2 of 4 stars). 2 submissions from 2 submitters: Uncertain significance (2). Last evaluated 2025-09-02.

Conditions:
Rubinstein-Taybi syndrome (RSTS). Identifiers: Orphanet 783, MedGen C0035934, MONDO:0019188.

gnomAD v4.1: 1 of 1,614,218 alleles (0.000062%); highest among the groups gnomAD compares: African/African-American, 0.0013%; no homozygotes.

Submissions (2):

Labcorp Genetics (formerly Invitae), Labcorp
Classification: Uncertain significance for Rubinstein-Taybi syndrome. Last evaluated: 2025-09-02. Review status: criteria provided, single submitter. Criteria: Invitae Variant Classification Sherloc (09022015). Collection method: clinical testing. Allele origin: germline.
Comment: This sequence change replaces isoleucine, which is neutral and non-polar, with threonine, which is neutral and polar, at codon 968 of the CREBBP protein (p.Ile968Thr). This variant is not present in population databases (gnomAD no frequency). This variant has not been reported in the literature in individuals affected with CREBBP-related conditions. ClinVar contains an entry for this variant (Variation ID: 194509). Invitae Evidence Modeling of protein sequence and biophysical properties (such as structural, functional, and spatial information, amino acid conservation, physicochemical variation, residue mobility, and thermodynamic stability) indicates that this missense variant is not expected to disrupt CREBBP protein function with a negative predictive value of 95%. In summary, the available evidence is currently insufficient to determine the role of this variant in disease. Therefore, it has been classified as a Variant of Uncertain Significance.

Eurofins Ntd Llc (ga)
Classification: Uncertain significance. Last evaluated: 2016-02-12. Review status: criteria provided, single submitter. Criteria: EGL Classification Definitions 2015. Collection method: clinical testing. Allele origin: germline. Observed: 2 variant alleles, 2 heterozygotes.

NM_004380.3(CREBBP):c.2903T>C (p.Ile968Thr)

Gene: CREBBP (CREB binding lysine acetyltransferase; minus strand). Cytogenetic location: 16p13.3.
Variant type: single nucleotide variant.
Coding change: c.2903T>C on transcript NM_004380.3 (MANE Select); coding-DNA position 2903, T replaced by C.
Protein change: p.Ile968Thr; replaces isoleucine 968 with threonine.
Molecular consequence: missense variant.
Genome position (GRCh38, 1-based): chr16:3,769,331, A>G on the plus strand (T>C on the coding strand, the complement: CREBBP is on the minus strand). VCF-style: chr16-3769331-A-G. GRCh37 (hg19) VCF-style: chr16-3819332-A-G.
Other names: c.2789T>C, p.Ile930Thr (NM_001079846.1); short protein forms I968T, I930T.
Identifiers: ClinVar variation 194509 (VCV000194509.9), dbSNP rs147795744, ClinGen allele CA240516.
Genomic context (GRCh38, chr16:3,769,331, plus strand): 5'-GGCTGCTGGGAATTGGTTTCTGCGCTGGCCACCGAGGAGGGGGTAGGGACTCTGTTATCA[A>G]TGCTGGCTGCTGCCTGGGAAAGCTGTGAAAAAACCGAAAGCACTGACTTCAGTAAGCAAG-3'
Protein context (NP_004371.2, residues 958-978): GTPLSQAAAS[Ile968Thr]DNRVPTPSSV